The following is an entry in ClinVar:

ClinVar aggregate classification (germline): Uncertain significance (1 of 4 stars; one submission).

gnomAD v4.1: 3 of 1,577,944 alleles (0.00019%); highest among the groups gnomAD compares: Admixed American, 0.0036%; no homozygotes.

Submission:

Women's Health and Genetics/Laboratory Corporation of America, LabCorp
Classification: Uncertain significance. Last evaluated: 2026-05-07. Review status: criteria provided, single submitter. Criteria: LabCorp Variant Classification Summary - May 2015. Collection method: clinical testing. Allele origin: germline.
Comment: Variant summary: CACNA1G c.1895T>C (p.Met632Thr) results in a non-conservative amino acid change in the encoded protein sequence. Algorithms developed to predict the effect of missense changes on protein structure and function all suggest that this variant is likely to be disruptive. The variant allele was found at a frequency of 1.1e-05 in 188136 control chromosomes. The available data on variant occurrences in the general population are insufficient to allow any conclusion about variant significance. To our knowledge, no occurrence of c.1895T>C in individuals affected with CACNA1G-related conditions and no experimental evidence demonstrating its impact on protein function have been reported. No submitters have cited clinical-significance assessments for this variant to ClinVar. Based on the evidence outlined above, the variant was classified as uncertain significance.

NM_018896.5(CACNA1G):c.1895T>C (p.Met632Thr)

Gene: CACNA1G (calcium voltage-gated channel subunit alpha1 G; plus strand). Cytogenetic location: 17q21.33.
Variant type: single nucleotide variant.
Coding change: c.1895T>C on transcript NM_018896.5 (MANE Select); coding-DNA position 1895, T replaced by C.
Protein change: p.Met632Thr; replaces methionine 632 with threonine.
Molecular consequence: missense variant. On other transcripts: non-coding transcript variant (5).
Genome position (GRCh38, 1-based): chr17:50,576,297, T>C. VCF-style: chr17-50576297-T-C. GRCh37 (hg19) VCF-style: chr17-48653658-T-C.
Other names: c.1895T>C, p.Met632Thr (NM_198377.3, NM_001256324.2, NM_001256325.2 and 24 more transcripts); short protein forms M632T.
Identifiers: ClinVar variation 4853502 (VCV004853502.1).